The following is an entry in ClinVar:

NM_001077350.3(NPRL3):c.440G>A (p.Arg147His)

Genes: HBA-LCR (alpha-globin locus control region; plus strand), NPRL3 (NPR3 like, GATOR1 complex subunit; minus strand). Cytogenetic location: 16p13.3.
Variant type: single nucleotide variant.
Coding change: c.440G>A on transcript NM_001077350.3 (MANE Select); coding-DNA position 440, G replaced by A.
Protein change: p.Arg147His; replaces arginine 147 with histidine.
Molecular consequence: missense variant. On other transcripts: 5 prime UTR variant (1).
Genome position (GRCh38, 1-based): chr16:112,729, C>T on the plus strand (G>A on the coding strand, the complement: NPRL3 is on the minus strand). VCF-style: chr16-112729-C-T. GRCh37 (hg19) VCF-style: chr16-162728-C-T.
Other names: c.-98G>A (NM_001039476.3); c.206G>A, p.Arg69His (NM_001243247.2); c.365G>A, p.Arg122His (NM_001243248.2, NM_001243249.2); c.440G>A (NM_001077350.2); short protein forms R122H, R147H, R69H.
Identifiers: ClinVar variation 1470206 (VCV001470206.7), dbSNP rs1470285968, ClinGen allele CA393993990.

ClinVar aggregate classification (germline): Uncertain significance. Review status: criteria provided, multiple submitters, no conflicts (2 of 4 stars). 2 submissions from 2 submitters: Uncertain significance (2). Last evaluated 2026-01-28.

Conditions:
Epilepsy, familial focal, with variable foci 3 (FFEVF3). Identifiers: MedGen C4310708, MONDO:0014925, OMIM 617118.
Inborn genetic diseases. Identifiers: MedGen C0950123, MeSH D030342.

Allele frequency attached by ClinVar (database versions not stated): gnomAD exomes below 0.00001 and 0.00001; gnomAD 0.00001; TOPMed 0.00002.
gnomAD v4.1: 13 of 1,611,970 alleles (0.00081%); highest among the groups gnomAD compares: South Asian, 0.0044%; no homozygotes.

Submissions (2):

Labcorp Genetics (formerly Invitae), Labcorp
Classification: Uncertain significance for Epilepsy, familial focal, with variable foci 3. Last evaluated: 2026-01-28. Review status: criteria provided, single submitter. Criteria: Invitae Variant Classification Sherloc (09022015). Collection method: clinical testing. Allele origin: germline.
Comment: This sequence change replaces arginine, which is basic and polar, with histidine, which is basic and polar, at codon 147 of the NPRL3 protein (p.Arg147His). The frequency data for this variant in the population databases is considered unreliable, as metrics indicate poor data quality at this position in the gnomAD database. This variant has not been reported in the literature in individuals affected with NPRL3-related conditions. ClinVar contains an entry for this variant (Variation ID: 1470206). Invitae Evidence Modeling of protein sequence and biophysical properties (such as structural, functional, and spatial information, amino acid conservation, physicochemical variation, residue mobility, and thermodynamic stability) indicates that this missense variant is not expected to disrupt NPRL3 protein function with a negative predictive value of 80%. In summary, the available evidence is currently insufficient to determine the role of this variant in disease. Therefore, it has been classified as a Variant of Uncertain Significance.

Ambry Genetics
Classification: Uncertain significance for Inborn genetic diseases. Last evaluated: 2021-09-17. Review status: criteria provided, single submitter. Criteria: Ambry Variant Classification Scheme 2023. Collection method: clinical testing. Allele origin: germline.